The following is an entry in ClinVar:

ClinVar aggregate classification (germline): Likely benign. Review status: criteria provided, multiple submitters, no conflicts (2 of 4 stars). 3 submissions from 3 submitters: Likely benign (2). 1 of the submissions does not count toward it. Last evaluated 2026-01-19.

Conditions:
OCA2-related disorder. Also called: OCA2-related condition.

Allele frequency attached by ClinVar (database versions not stated): gnomAD 0.00002 and 0.00003; gnomAD exomes 0.00002 and 0.00004; ExAC 0.00004; TOPMed 0.00004; ESP Exome Variant Server 0.00008.
gnomAD v4.1: 37 of 1,610,930 alleles (0.0023%); highest among the groups gnomAD compares: Admixed American, 0.0067%; no homozygotes.

Submissions (3):

Labcorp Genetics (formerly Invitae), Labcorp
Classification: Likely benign. Last evaluated: 2026-01-19. Review status: criteria provided, single submitter. Criteria: Invitae Variant Classification Sherloc (09022015). Collection method: clinical testing. Allele origin: germline.

Blueprint Genetics
Classification: Likely benign. Last evaluated: 2023-12-11. Review status: criteria provided, single submitter. Criteria: ACMG Guidelines, 2015. Collection method: clinical testing. Allele origin: germline.

PreventionGenetics, part of Exact Sciences
Classification: Likely benign for OCA2-related condition. Last evaluated: 2019-06-25. Review status: no assertion criteria provided. Collection method: clinical testing. Allele origin: germline. Not counted in ClinVar's aggregate classification.
Comment: This variant is classified as likely benign based on ACMG/AMP sequence variant interpretation guidelines (Richards et al. 2015 PMID: 25741868, with internal and published modifications).

NM_000275.3(OCA2):c.21C>T (p.Asp7=)

Gene: OCA2 (OCA2 melanosomal transmembrane protein; minus strand). Cytogenetic location: 15q13.1.
Variant type: single nucleotide variant.
Coding change: c.21C>T on transcript NM_000275.3 (MANE Select); coding-DNA position 21, C replaced by T.
Protein change: p.Asp7=; no amino-acid change (aspartic acid 7 retained).
Molecular consequence: synonymous variant.
Genome position (GRCh38, 1-based): chr15:28,081,854, G>A on the plus strand (C>T on the coding strand, the complement: OCA2 is on the minus strand). VCF-style: chr15-28081854-G-A. GRCh37 (hg19) VCF-style: chr15-28327000-G-A.
Other names: c.21C>T, p.Asp7= (NM_001300984.2); c.21C>T (NM_000275.2).
Identifiers: ClinVar variation 1619388 (VCV001619388.11), dbSNP rs369625319, ClinGen allele CA7439621.